The following is an entry in ClinVar:

ClinVar aggregate classification (germline): Likely benign. Review status: criteria provided, multiple submitters, no conflicts (2 of 4 stars). 3 submissions from 3 submitters: Likely benign (3). Last evaluated 2025-12-30.

Allele frequency attached by ClinVar (database versions not stated): TOPMed 0.00013; gnomAD exomes 0.00015 and 0.00030; ExAC 0.00018; gnomAD 0.00019; ESP Exome Variant Server 0.00023.
gnomAD v4.1: 479 of 1,612,512 alleles (0.03%); highest among the groups gnomAD compares: Non-Finnish European, 0.035%; 1 homozygote.

Submissions (3):

Labcorp Genetics (formerly Invitae), Labcorp
Classification: Likely benign. Last evaluated: 2025-12-30. Review status: criteria provided, single submitter. Criteria: Invitae Variant Classification Sherloc (09022015). Collection method: clinical testing. Allele origin: germline.

Blueprint Genetics
Classification: Likely benign. Last evaluated: 2024-11-20. Review status: criteria provided, single submitter. Criteria: ACMG Guidelines, 2015. Collection method: clinical testing. Allele origin: germline.

CeGaT Center for Human Genetics Tuebingen
Classification: Likely benign. Last evaluated: 2024-03-01. Review status: criteria provided, single submitter. Criteria: CeGaT Center For Human Genetics Tuebingen Variant Classification Criteria Version 2. Collection method: clinical testing. Allele origin: germline. Affected: yes. Observed: 1 variant allele.
Comment: ABCC6: BP4, BP7

NM_001171.6(ABCC6):c.4374C>T (p.His1458=)

Genes: ABCC6 (ATP binding cassette subfamily C member 6; minus strand), LOC125146421 (Sharpr-MPRA regulatory region 15590; plus strand). Cytogenetic location: 16p13.11.
Variant type: single nucleotide variant.
Coding change: c.4374C>T on transcript NM_001171.6 (MANE Select); coding-DNA position 4374, C replaced by T.
Protein change: p.His1458=; no amino-acid change (histidine 1458 retained).
Molecular consequence: synonymous variant. On other transcripts: non-coding transcript variant (1).
Genome position (GRCh38, 1-based): chr16:16,150,607, G>A on the plus strand (C>T on the coding strand, the complement: ABCC6 is on the minus strand). VCF-style: chr16-16150607-G-A. GRCh37 (hg19) VCF-style: chr16-16244464-G-A.
Other names: c.4032C>T, p.His1344= (NM_001351800.1).
Identifiers: ClinVar variation 1596072 (VCV001596072.30), dbSNP rs371710180, ClinGen allele CA7925217.